The following is an entry in ClinVar:

ClinVar aggregate classification (germline): Likely benign. Review status: criteria provided, multiple submitters, no conflicts (2 of 4 stars). 7 submissions from 7 submitters: Likely benign (7). Last evaluated 2026-02-12.

Conditions:
Autosomal recessive limb-girdle muscular dystrophy type 2J (LGMDR10). Also called: Limb-girdle muscular dystrophy, type 2J; MUSCULAR DYSTROPHY, LIMB-GIRDLE, AUTOSOMAL RECESSIVE 10. Identifiers: Orphanet 140922, MedGen C1837342, MONDO:0012127, OMIM 608807.
Dilated cardiomyopathy 1G (CMD1G). Identifiers: Orphanet 154, MedGen C1858763, MONDO:0011400, OMIM 604145.
Cardiovascular phenotype. Identifiers: MedGen CN230736.
TTN-related disorder. Also called: TTN-related disorders; TTN-related condition; TTN-related disease.
Tibial muscular dystrophy (TMD). Also called: UDD MYOPATHY; Tibial muscular dystrophy, tardive; Udd Distal Myopathy – Tibial Muscular Dystrophy. Identifiers: Orphanet 609, MedGen C1838244, MONDO:0010870, OMIM 600334.
Early-onset myopathy with fatal cardiomyopathy (CMYO5). Also called: Salih Myopathy; CONGENITAL MYOPATHY 5 WITH CARDIOMYOPATHY. Identifiers: Orphanet 289377, MedGen C2673677, MONDO:0012714, OMIM 611705. Disease mechanism: loss of function.
Myopathy, myofibrillar, 9, with early respiratory failure (MFM9). Also called: Hereditary myopathy with early respiratory failure; Myopathy, distal, with early respiratory failure, autosomal dominant; MYOPATHY, PROXIMAL, WITH EARLY RESPIRATORY MUSCLE INVOLVEMENT; EDSTROM MYOPATHY. Identifiers: Orphanet 178464, Orphanet 34521, MedGen C1863599, MONDO:0011362, OMIM 603689.
Hypertrophic cardiomyopathy 9. Also called: Familial hypertrophic cardiomyopathy 9. Identifiers: MedGen C1861065, MONDO:0013412, OMIM 613765.

Allele frequency attached by ClinVar (database versions not stated): gnomAD exomes 0.00001 and 0.00002; ExAC 0.00002; gnomAD 0.00003 and 0.00004; TOPMed 0.00004.
gnomAD v4.1: 42 of 1,613,930 alleles (0.0026%); highest among the groups gnomAD compares: African/African-American, 0.0053%; 1 homozygote.

Submissions (7):

PreventionGenetics, part of Exact Sciences
Classification: Likely benign for TTN-related condition. Last evaluated: 2026-02-12. Review status: criteria provided, single submitter. Criteria: ACMG Guidelines, 2015. Collection method: clinical testing. Allele origin: germline.
Comment: This variant is classified as likely benign based on ACMG/AMP sequence variant interpretation guidelines (Richards et al. 2015 PMID: 25741868, with internal and published modifications).

Labcorp Genetics (formerly Invitae), Labcorp
Classification: Likely benign for Dilated cardiomyopathy 1G; Autosomal recessive limb-girdle muscular dystrophy type 2J. Last evaluated: 2025-12-09. Review status: criteria provided, single submitter. Criteria: Invitae Variant Classification Sherloc (09022015). Collection method: clinical testing. Allele origin: germline.

CeGaT Center for Human Genetics Tuebingen
Classification: Likely benign. Last evaluated: 2024-11-01. Review status: criteria provided, single submitter. Criteria: CeGaT Center For Human Genetics Tuebingen Variant Classification Criteria Version 2. Collection method: clinical testing. Allele origin: germline. Affected: yes. Observed: 1 variant allele.
Comment: TTN: BP4, BP7

Blueprint Genetics
Classification: Likely benign. Last evaluated: 2024-01-09. Review status: criteria provided, single submitter. Criteria: ACMG Guidelines, 2015. Collection method: clinical testing. Allele origin: germline.

Fulgent Genetics
Classification: Likely benign for Tibial muscular dystrophy; Myopathy, myofibrillar, 9, with early respiratory failure; Dilated cardiomyopathy 1G; Autosomal recessive limb-girdle muscular dystrophy type 2J; Early-onset myopathy with fatal cardiomyopathy; Hypertrophic cardiomyopathy 9. Last evaluated: 2022-05-02. Review status: criteria provided, single submitter. Criteria: ACMG Guidelines, 2015. Collection method: clinical testing. Allele origin: unknown.

Ambry Genetics
Classification: Likely benign for Cardiovascular phenotype. Last evaluated: 2022-03-03. Review status: criteria provided, single submitter. Criteria: Ambry Variant Classification Scheme 2023. Collection method: clinical testing. Allele origin: germline.

GeneDx
Classification: Likely benign. Last evaluated: 2018-04-05. Review status: criteria provided, single submitter. Criteria: GeneDx Variant Classification (06012015). Collection method: clinical testing. Allele origin: germline. Affected: yes.
Comment: This variant is considered likely benign or benign based on one or more of the following criteria: it is a conservative change, it occurs at a poorly conserved position in the protein, it is predicted to be benign by multiple in silico algorithms, and/or has population frequency not consistent with disease.

NM_001267550.2(TTN):c.6489C>T (p.His2163=)

Gene: TTN (titin; minus strand). Cytogenetic location: 2q31.2.
Variant type: single nucleotide variant.
Coding change: c.6489C>T on transcript NM_001267550.2 (MANE Select); coding-DNA position 6489, C replaced by T.
Protein change: p.His2163=; no amino-acid change (histidine 2163 retained).
Molecular consequence: synonymous variant.
Genome position (GRCh38, 1-based): chr2:178,775,375, G>A on the plus strand (C>T on the coding strand, the complement: TTN is on the minus strand). VCF-style: chr2-178775375-G-A. GRCh37 (hg19) VCF-style: chr2-179640102-G-A.
Other names: c.6489C>T, p.His2163= (NM_001256850.1, NM_133378.4, NM_133379.5); c.6351C>T, p.His2117= (NM_003319.4, NM_133432.3, NM_133437.4).
Identifiers: ClinVar variation 681872 (VCV000681872.29), dbSNP rs762045402, ClinGen allele CA2005038.